The following is an entry in ClinVar:

ClinVar aggregate classification (germline): Uncertain significance. Review status: criteria provided, multiple submitters, no conflicts (2 of 4 stars). 3 submissions from 3 submitters: Uncertain significance (3). Last evaluated 2025-06-12.

Conditions:
Age related macular degeneration 1 (ARMD1). Also called: MACULOPATHY, AGE-RELATED, 1. Identifiers: MedGen C1864205, MONDO:0011285, OMIM 603075.

Allele frequency attached by ClinVar (database versions not stated): gnomAD 0.00001; gnomAD exomes 0.00002 and 0.00001; TOPMed 0.00002; ExAC 0.00002.
gnomAD v4.1: 28 of 1,613,504 alleles (0.0017%); highest among the groups gnomAD compares: Non-Finnish European, 0.0021%; no homozygotes.

Submissions (3):

Labcorp Genetics (formerly Invitae), Labcorp
Classification: Uncertain significance. Last evaluated: 2025-06-12. Review status: criteria provided, single submitter. Criteria: Invitae Variant Classification Sherloc (09022015). Collection method: clinical testing. Allele origin: germline.
Comment: This sequence change replaces arginine, which is basic and polar, with glutamine, which is neutral and polar, at codon 5598 of the HMCN1 protein (p.Arg5598Gln). The frequency data for this variant in the population databases is considered unreliable, as metrics indicate poor data quality at this position in the gnomAD database. This variant has not been reported in the literature in individuals affected with HMCN1-related conditions. ClinVar contains an entry for this variant (Variation ID: 294313). An algorithm developed to predict the effect of missense changes on protein structure and function outputs the following: PolyPhen-2: "Benign". The glutamine amino acid residue is found in multiple mammalian species, which suggests that this missense change does not adversely affect protein function. In summary, the available evidence is currently insufficient to determine the role of this variant in disease. Therefore, it has been classified as a Variant of Uncertain Significance.

Ambry Genetics
Classification: Uncertain significance. Last evaluated: 2024-10-06. Review status: criteria provided, single submitter. Criteria: Ambry Variant Classification Scheme 2023. Collection method: clinical testing. Allele origin: germline.

Illumina Laboratory Services, Illumina
Classification: Uncertain significance for Age related macular degeneration 1. Last evaluated: 2018-01-12. Review status: criteria provided, single submitter. Criteria: ICSL Variant Classification Criteria 13 December 2019. Collection method: clinical testing. Allele origin: germline.

NM_031935.3(HMCN1):c.16793G>A (p.Arg5598Gln)

Gene: HMCN1 (hemicentin 1; plus strand). Cytogenetic location: 1q31.1.
Variant type: single nucleotide variant.
Coding change: c.16793G>A on transcript NM_031935.3 (MANE Select); coding-DNA position 16793, G replaced by A.
Protein change: p.Arg5598Gln; replaces arginine 5598 with glutamine.
Molecular consequence: missense variant.
Genome position (GRCh38, 1-based): chr1:186,189,763, G>A. VCF-style: chr1-186189763-G-A. GRCh37 (hg19) VCF-style: chr1-186158895-G-A.
Other names: short protein forms R5598Q.
Identifiers: ClinVar variation 294313 (VCV000294313.9), dbSNP rs748032823, ClinGen allele CA1295652.